The following is an entry in ClinVar:

NM_198253.3(TERT):c.1761T>G (p.Ile587Met)

Gene: TERT (telomerase reverse transcriptase; minus strand). Cytogenetic location: 5p15.33.
Variant type: single nucleotide variant.
Coding change: c.1761T>G on transcript NM_198253.3 (MANE Select); coding-DNA position 1761, T replaced by G.
Protein change: p.Ile587Met; replaces isoleucine 587 with methionine.
Molecular consequence: missense variant. On other transcripts: non-coding transcript variant (2).
Genome position (GRCh38, 1-based): chr5:1,282,437, A>C on the plus strand (T>G on the coding strand, the complement: TERT is on the minus strand). VCF-style: chr5-1282437-A-C. GRCh37 (hg19) VCF-style: chr5-1282552-A-C.
Other names: c.1761T>G, p.Ile587Met (NM_001193376.3); short protein forms I587M.
Identifiers: ClinVar variation 966430 (VCV000966430.12), dbSNP rs1750084189, ClinGen allele CA359082781.

ClinVar aggregate classification (germline): Uncertain significance. Review status: criteria provided, multiple submitters, no conflicts (2 of 4 stars). 2 submissions from 2 submitters: Uncertain significance (2). Last evaluated 2022-07-13.

Conditions:
Idiopathic Pulmonary Fibrosis. Also called: Idiopathic fibrosing alveolitis, chronic form; idiopathic fibrosing alveolitis. Identifiers: Orphanet 2032, MedGen C1800706, MeSH D054990, MONDO:0800504.
Dyskeratosis congenita, autosomal dominant 2. Identifiers: MedGen C3151443, MONDO:0013521, OMIM 613989.
Dyskeratosis congenita. Identifiers: Orphanet 1775, MedGen C0265965, MONDO:0015780.

gnomAD v4.1: 2 of 1,614,060 alleles (0.00012%); highest among the groups gnomAD compares: Non-Finnish European, 0.00017%; no homozygotes.

Submissions (2):

Ambry Genetics
Classification: Uncertain significance for Dyskeratosis congenita. Last evaluated: 2022-07-13. Review status: criteria provided, single submitter. Criteria: Ambry Variant Classification Scheme 2023. Collection method: clinical testing. Allele origin: germline.

Labcorp Genetics (formerly Invitae), Labcorp
Classification: Uncertain significance for Dyskeratosis congenita, autosomal dominant 2; Idiopathic Pulmonary Fibrosis. Last evaluated: 2022-06-08. Review status: criteria provided, single submitter. Criteria: Invitae Variant Classification Sherloc (09022015). Collection method: clinical testing. Allele origin: germline.
Comment: This sequence change replaces isoleucine, which is neutral and non-polar, with methionine, which is neutral and non-polar, at codon 587 of the TERT protein (p.Ile587Met). In summary, the available evidence is currently insufficient to determine the role of this variant in disease. Therefore, it has been classified as a Variant of Uncertain Significance. Algorithms developed to predict the effect of missense changes on protein structure and function are either unavailable or do not agree on the potential impact of this missense change (SIFT: "Tolerated"; PolyPhen-2: "Possibly Damaging"; Align-GVGD: "Class C0"). ClinVar contains an entry for this variant (Variation ID: 966430). This variant has not been reported in the literature in individuals affected with TERT-related conditions. This variant is not present in population databases (gnomAD no frequency).